The following is an entry in ClinVar:

ClinVar aggregate classification (germline): Uncertain significance (1 of 4 stars; one submission).

Allele frequency attached by ClinVar (database versions not stated): TOPMed below 0.00001; gnomAD exomes 0.00001.
gnomAD v4.1: 3 of 1,614,112 alleles (0.00019%); highest among the groups gnomAD compares: East Asian, 0.0067%; no homozygotes.

Submission:

Ambry Genetics
Classification: Uncertain significance. Last evaluated: 2022-11-04. Review status: criteria provided, single submitter. Criteria: Ambry Variant Classification Scheme 2023. Collection method: clinical testing. Allele origin: germline.
Comment: The p.P566S variant (also known as c.1696C>T), located in coding exon 9 of the PALLD gene, results from a C to T substitution at nucleotide position 1696. The proline at codon 566 is replaced by serine, an amino acid with similar properties. This amino acid position is conserved. In addition, this alteration is predicted to be tolerated by in silico analysis. Since supporting evidence is limited at this time, the clinical significance of this alteration remains unclear.

NM_001166108.2(PALLD):c.1696C>T (p.Pro566Ser)

Gene: PALLD (palladin, cytoskeletal associated protein; plus strand). Cytogenetic location: 4q32.3.
Variant type: single nucleotide variant.
Coding change: c.1696C>T on transcript NM_001166108.2 (MANE Select); coding-DNA position 1696, C replaced by T.
Protein change: p.Pro566Ser; replaces proline 566 with serine.
Molecular consequence: missense variant.
Genome position (GRCh38, 1-based): chr4:168,711,655, C>T. VCF-style: chr4-168711655-C-T. GRCh37 (hg19) VCF-style: chr4-169632806-C-T.
Other names: c.550C>T, p.Pro184Ser (NM_001166109.2); c.1696C>T, p.Pro566Ser (NM_016081.4); short protein forms P184S, P566S.
Identifiers: ClinVar variation 2496999 (VCV002496999.2), dbSNP rs1784849492, ClinGen allele CA358798015.
Genomic context (GRCh38, chr4:168,711,655, plus strand): 5'-TGTAGTTACGAGTCAATGGGAGAATCCAACAATGACCACTTCCAACACTTTCCACCTCCC[C>T]CTCCAATCTTGGAGACAAGTTCCTTGGAGTTGGCTTCAAAGAAACCATCTGAGATCCAGC-3'
Protein context (NP_001159580.1, residues 556-576): NDHFQHFPPP[Pro566Ser]PILETSSLEL